The following is an entry in ClinVar:

ClinVar aggregate classification (germline): Benign/Likely benign. Review status: criteria provided, multiple submitters, no conflicts (2 of 4 stars). 5 submissions from 5 submitters: Benign (2); Likely benign (2). 1 of the submissions does not count toward it. Last evaluated 2026-01-27.

Conditions:
DDX41-related disorder. Also called: DDX41-related condition.
Inborn genetic diseases. Identifiers: MedGen C0950123, MeSH D030342.

Allele frequency attached by ClinVar (database versions not stated): gnomAD 0.00016 and 0.00026; gnomAD exomes 0.00026 and 0.00077; TOPMed 0.00029; ExAC 0.00083; 1000 Genomes Project 30x 0.00094; 1000 Genomes Project 0.00100.
gnomAD v4.1: 460 of 1,614,176 alleles (0.028%); highest among the groups gnomAD compares: East Asian, 0.71%; 2 homozygotes.

Submissions (5):

Labcorp Genetics (formerly Invitae), Labcorp
Classification: Benign. Last evaluated: 2026-01-27. Review status: criteria provided, single submitter. Criteria: Invitae Variant Classification Sherloc (09022015). Collection method: clinical testing. Allele origin: germline.

Blueprint Genetics
Classification: Likely benign. Last evaluated: 2024-11-25. Review status: criteria provided, single submitter. Criteria: ACMG Guidelines, 2015. Collection method: clinical testing. Allele origin: germline.

Ambry Genetics
Classification: Likely benign for Inborn genetic diseases. Last evaluated: 2024-08-21. Review status: criteria provided, single submitter. Criteria: Ambry Variant Classification Scheme 2023. Collection method: clinical testing. Allele origin: germline.

Genetic Services Laboratory, University of Chicago
Classification: Benign. Last evaluated: 2021-03-19. Review status: criteria provided, single submitter. Criteria: ACMG Guidelines, 2015. Collection method: clinical testing. Allele origin: germline. Affected: no.

PreventionGenetics, part of Exact Sciences
Classification: Benign for DDX41-related condition. Last evaluated: 2022-10-03. Review status: no assertion criteria provided. Collection method: clinical testing. Allele origin: germline. Not counted in ClinVar's aggregate classification.
Comment: This variant is classified as benign based on ACMG/AMP sequence variant interpretation guidelines (Richards et al. 2015 PMID: 25741868, with internal and published modifications).

NM_016222.4(DDX41):c.1479C>T (p.Ser493=)

Gene: DDX41 (DEAD-box helicase 41; minus strand). Cytogenetic location: 5q35.3.
Variant type: single nucleotide variant.
Coding change: c.1479C>T on transcript NM_016222.4 (MANE Select); coding-DNA position 1479, C replaced by T.
Protein change: p.Ser493=; no amino-acid change (serine 493 retained).
Molecular consequence: synonymous variant.
Genome position (GRCh38, 1-based): chr5:177,512,566, G>A on the plus strand (C>T on the coding strand, the complement: DDX41 is on the minus strand). VCF-style: chr5-177512566-G-A. GRCh37 (hg19) VCF-style: chr5-176939567-G-A.
Other names: c.1101C>T, p.Ser367= (NM_001321732.2, NM_001321830.2); c.1479C>T (NM_016222.2).
Identifiers: ClinVar variation 726954 (VCV000726954.15), dbSNP rs148853192, ClinGen allele CA3584732.